The following is an entry in ClinVar:

ClinVar aggregate classification (germline): Conflicting classifications of pathogenicity. Review status: criteria provided, conflicting classifications (1 of 4 stars). 4 submissions from 4 submitters: Likely pathogenic (3); Uncertain significance (1). Last evaluated 2023-06-14.

Conditions:
Inborn genetic diseases. Identifiers: MedGen C0950123, MeSH D030342.
Brown-Vialetto-van Laere syndrome 2. Also called: SPINOCEREBELLAR ATAXIA WITH BLINDNESS AND DEAFNESS 2; Riboflavin transporter deficiency type 2. Identifiers: Orphanet 572543, Orphanet 97229, MedGen C3553538, MONDO:0013867, OMIM 614707.

Allele frequency attached by ClinVar (database versions not stated): ExAC 0.00001; gnomAD 0.00001; TOPMed 0.00001; gnomAD exomes 0.00002.
gnomAD v4.1: 22 of 1,612,782 alleles (0.0014%); highest among the groups gnomAD compares: Non-Finnish European, 0.0018%; no homozygotes.

Submissions (4):

GeneDx
Classification: Likely pathogenic. Last evaluated: 2023-06-14. Review status: criteria provided, single submitter. Criteria: GeneDx Variant Classification Process June 2021. Collection method: clinical testing. Allele origin: germline.
Comment: Not observed at significant frequency in large population cohorts (gnomAD); In silico analysis supports that this missense variant does not alter protein structure/function; This variant is associated with the following publications: (PMID: 29961509, 29915382, 28781516, 28116953)

Labcorp Genetics (formerly Invitae), Labcorp
Classification: Uncertain significance for Brown-Vialetto-van Laere syndrome 2. Last evaluated: 2022-06-26. Review status: criteria provided, single submitter. Criteria: Invitae Variant Classification Sherloc (09022015). Collection method: clinical testing. Allele origin: germline.
Comment: This sequence change replaces arginine, which is basic and polar, with cysteine, which is neutral and slightly polar, at codon 169 of the SLC52A2 protein (p.Arg169Cys). This variant is present in population databases (rs782345472, gnomAD 0.004%). This missense change has been observed in individuals with clinical features of Brown-Vialetto-van Laere Syndrome (PMID: 29915382, 29961509). It has also been observed to segregate with disease in related individuals. ClinVar contains an entry for this variant (Variation ID: 212207). Algorithms developed to predict the effect of missense changes on protein structure and function (SIFT, PolyPhen-2, Align-GVGD) all suggest that this variant is likely to be disruptive. In summary, the available evidence is currently insufficient to determine the role of this variant in disease. Therefore, it has been classified as a Variant of Uncertain Significance.

Ambry Genetics
Classification: Likely pathogenic for Inborn genetic diseases. Last evaluated: 2020-12-12. Review status: criteria provided, single submitter. Criteria: Ambry Variant Classification Scheme 2023. Collection method: clinical testing. Allele origin: germline.
Comment: The p.R169C variant (also known as c.505C>T), located in coding exon 2 of the SLC52A2 gene, results from a C to T substitution at nucleotide position 505. The arginine at codon 169 is replaced by cysteine, an amino acid with highly dissimilar properties. This alteration has been reported in the homozygous state in multiple unrelated patients with a phenotype consistent with Brown-Vialetto-Van Laere syndrome (Allison T et al. J Child Neurol, 2017 05;32:528-532; Pasquini E et al. Acta Myol, 2017 06;36:47-119; Woodcock IR et al. Semin Pediatr Neurol, 2018 07;26:2-9; Sun M et al. Genet Med, 2019 01;21:195-206). Based on data from gnomAD, this allele has an overall frequency of 0.0020% (5/250098) total alleles studied. The highest observed frequency was 0.0035% (4/112704) of non-Finnish European alleles. This amino acid position is not well conserved in available vertebrate species. In addition, this alteration is predicted to be tolerated by in silico analysis. Based on the majority of available evidence to date, this variant is likely to be pathogenic.

Genetic Services Laboratory, University of Chicago
Classification: Likely pathogenic for Brown-Vialetto-Van Laere syndrome 2. Last evaluated: 2015-01-21. Review status: criteria provided, single submitter. Criteria: ACMG Guidelines, 2015. Collection method: clinical testing. Allele origin: germline. Affected: yes.

Literature cited by the submitters: PubMed 29915382 (cited by Labcorp Genetics (formerly Invitae), Labcorp and Ambry Genetics); PubMed 29961509 (cited by Labcorp Genetics (formerly Invitae), Labcorp and Ambry Genetics); PubMed 28116953 (cited by Ambry Genetics); PubMed 28781516 (cited by Ambry Genetics).

NM_001363118.2(SLC52A2):c.505C>T (p.Arg169Cys)

Gene: SLC52A2 (solute carrier family 52 member 2; plus strand). Cytogenetic location: 8q24.3.
Variant type: single nucleotide variant.
Coding change: c.505C>T on transcript NM_001363118.2 (MANE Select); coding-DNA position 505, C replaced by T.
Protein change: p.Arg169Cys; replaces arginine 169 with cysteine.
Molecular consequence: missense variant. On other transcripts: non-coding transcript variant (1), intron variant (1).
Genome position (GRCh38, 1-based): chr8:144,359,997, C>T. VCF-style: chr8-144359997-C-T. GRCh37 (hg19) VCF-style: chr8-145583657-C-T.
Other names: c.505C>T, p.Arg169Cys (NM_001253815.2, NM_001253816.2, NM_001363120.2 and 2 more transcripts); c.131-118C>T (NM_001363122.2); short protein forms R169C.
Identifiers: ClinVar variation 212207 (VCV000212207.15), dbSNP rs782345472, ClinGen allele CA207764.